The following is an entry in ClinVar:

NM_004621.6(TRPC6):c.1354A>G (p.Ile452Val)

Gene: TRPC6 (transient receptor potential cation channel subfamily C member 6; minus strand). Cytogenetic location: 11q22.1.
Variant type: single nucleotide variant.
Coding change: c.1354A>G on transcript NM_004621.6 (MANE Select); coding-DNA position 1354, A replaced by G.
Protein change: p.Ile452Val; replaces isoleucine 452 with valine.
Molecular consequence: missense variant.
Genome position (GRCh38, 1-based): chr11:101,483,105, T>C on the plus strand (A>G on the coding strand, the complement: TRPC6 is on the minus strand). VCF-style: chr11-101483105-T-C. GRCh37 (hg19) VCF-style: chr11-101353836-T-C.
Other names: short protein forms I452V.
Identifiers: ClinVar variation 2152601 (VCV002152601.5), dbSNP rs200539886, ClinGen allele CA6244337.
Genomic context (GRCh38, chr11:101,483,105, plus strand): 5'-GAAGGAGTTTTGTGCCTTCAAATCTGTCAGCTGCATTCATGACTAGCAGTCCCAGAAAAA[T>C]GGTGAAGGAGGCTGCGTGTGCTACAAACTTCATGAATGGTCCACGCATTATCTTCCCCAT-3'
Protein context (NP_004612.2, residues 442-462): KFVAHAASFT[Ile452Val]FLGLLVMNAA

ClinVar aggregate classification (germline): Uncertain significance. Review status: criteria provided, multiple submitters, no conflicts (2 of 4 stars). 2 submissions from 2 submitters: Uncertain significance (2). Last evaluated 2024-06-20.

Conditions:
Focal segmental glomerulosclerosis 2 (FSGS2). Identifiers: Orphanet 656, MedGen C1858915, MONDO:0011390, OMIM 603965.

Allele frequency attached by ClinVar (database versions not stated): ExAC 0.00001; TOPMed 0.00002; gnomAD 0.00003; gnomAD exomes 0.00003; ESP Exome Variant Server 0.00008.
gnomAD v4.1: 51 of 1,613,924 alleles (0.0032%); highest among the groups gnomAD compares: Non-Finnish European, 0.0038%; no homozygotes.

Submissions (2):

Fulgent Genetics
Classification: Uncertain significance for Focal segmental glomerulosclerosis 2. Last evaluated: 2024-06-20. Review status: criteria provided, single submitter. Criteria: ACMG Guidelines, 2015. Collection method: clinical testing. Allele origin: germline.

Labcorp Genetics (formerly Invitae), Labcorp
Classification: Uncertain significance. Last evaluated: 2022-06-09. Review status: criteria provided, single submitter. Criteria: Invitae Variant Classification Sherloc (09022015). Collection method: clinical testing. Allele origin: germline.
Comment: Algorithms developed to predict the effect of missense changes on protein structure and function are either unavailable or do not agree on the potential impact of this missense change (SIFT: "Tolerated"; PolyPhen-2: "Probably Damaging"; Align-GVGD: "Class C0"). In summary, the available evidence is currently insufficient to determine the role of this variant in disease. Therefore, it has been classified as a Variant of Uncertain Significance. This variant has not been reported in the literature in individuals affected with TRPC6-related conditions. This variant is present in population databases (rs200539886, gnomAD 0.002%). This sequence change replaces isoleucine, which is neutral and non-polar, with valine, which is neutral and non-polar, at codon 452 of the TRPC6 protein (p.Ile452Val).